The following is an entry in ClinVar:

NM_001330723.2(SNX27):c.1465G>A (p.Glu489Lys)

Gene: SNX27 (sorting nexin 27; plus strand). Cytogenetic location: 1q21.3.
Variant type: single nucleotide variant.
Coding change: c.1465G>A on transcript NM_001330723.2 (MANE Select); coding-DNA position 1465, G replaced by A.
Protein change: p.Glu489Lys; replaces glutamic acid 489 with lysine.
Molecular consequence: missense variant.
Genome position (GRCh38, 1-based): chr1:151,692,986, G>A. VCF-style: chr1-151692986-G-A. GRCh37 (hg19) VCF-style: chr1-151665462-G-A.
Other names: c.1465G>A, p.Glu489Lys (NM_030918.6); short protein forms E489K.
Identifiers: ClinVar variation 574705 (VCV000574705.9), dbSNP rs1400115897, ClinGen allele CA341973147.

ClinVar aggregate classification (germline): Uncertain significance (1 of 4 stars; one submission).

Conditions:
Severe myoclonic epilepsy in infancy (DRVT). Also called: Severe Myoclonic Epilepsy in Infancy (SMEI); SEVERE MYOCLONIC EPILEPSY OF INFANCY; DEVELOPMENTAL AND EPILEPTIC ENCEPHALOPATHY 6A; Dravet syndrome; Epileptic encephalopathy, early infantile, 6 (Dravet syndrome). Identifiers: Orphanet 33069, MedGen C0751122, MONDO:0100135, OMIM 607208.

Allele frequency attached by ClinVar (database versions not stated): gnomAD exomes below 0.00001 and 0.00001; gnomAD 0.00001.

Submission:

Labcorp Genetics (formerly Invitae), Labcorp
Classification: Uncertain significance for Severe myoclonic epilepsy in infancy. Last evaluated: 2020-01-27. Review status: criteria provided, single submitter. Criteria: Invitae Variant Classification Sherloc (09022015). Collection method: clinical testing. Allele origin: germline.
Comment: In summary, the available evidence is currently insufficient to determine the role of this variant in disease. Therefore, it has been classified as a Variant of Uncertain Significance. Algorithms developed to predict the effect of missense changes on protein structure and function do not agree on the potential impact of this missense change (SIFT: "Deleterious"; PolyPhen-2: "Probably Damaging"; Align-GVGD: "Class C0"). This variant has not been reported in the literature in individuals with SNX27-related disease. This variant is not present in population databases (ExAC no frequency). This sequence change replaces glutamic acid with lysine at codon 489 of the SNX27 protein (p.Glu489Lys). The glutamic acid residue is highly conserved and there is a small physicochemical difference between glutamic acid and lysine.